The following is an entry in ClinVar:

NM_152564.5(VPS13B):c.1442T>C (p.Ile481Thr)

Gene: VPS13B (vacuolar protein sorting 13 homolog B; plus strand). Cytogenetic location: 8q22.2.
Variant type: single nucleotide variant.
Coding change: c.1442T>C on transcript NM_152564.5 (MANE Select); coding-DNA position 1442, T replaced by C.
Protein change: p.Ile481Thr; replaces isoleucine 481 with threonine.
Molecular consequence: missense variant.
Genome position (GRCh38, 1-based): chr8:99,135,612, T>C. VCF-style: chr8-99135612-T-C. GRCh37 (hg19) VCF-style: chr8-100147840-T-C.
Other names: c.1442T>C, p.Ile481Thr (NM_015243.3, NM_017890.5); short protein forms I481T.
Identifiers: ClinVar variation 1904624 (VCV001904624.2), dbSNP rs1425409453, ClinGen allele CA371863128.

ClinVar aggregate classification (germline): Uncertain significance (1 of 4 stars; one submission).

Conditions:
Cohen syndrome (COH1). Also called: PEPPER SYNDROME; Cutis verticis gyrata, retinitis pigmentosa, and sensorineural deafness. Identifiers: Orphanet 193, MedGen C0265223, MONDO:0008999, OMIM 216550.

Allele frequency attached by ClinVar (database versions not stated): gnomAD exomes below 0.00001.

Submission:

Labcorp Genetics (formerly Invitae), Labcorp
Classification: Uncertain significance for Cohen syndrome. Last evaluated: 2022-05-04. Review status: criteria provided, single submitter. Criteria: Invitae Variant Classification Sherloc (09022015). Collection method: clinical testing. Allele origin: germline.
Comment: This sequence change replaces isoleucine, which is neutral and non-polar, with threonine, which is neutral and polar, at codon 481 of the VPS13B protein (p.Ile481Thr). This variant is present in population databases (no rsID available, gnomAD 0.0009%). This variant has not been reported in the literature in individuals affected with VPS13B-related conditions. Algorithms developed to predict the effect of missense changes on protein structure and function are either unavailable or do not agree on the potential impact of this missense change (SIFT: "Not Available"; PolyPhen-2: "Possibly Damaging"; Align-GVGD: "Not Available"). In summary, the available evidence is currently insufficient to determine the role of this variant in disease. Therefore, it has been classified as a Variant of Uncertain Significance.